The following is an entry in ClinVar:

NM_000059.4(BRCA2):c.9014_9017dup (p.Tyr3006Ter)

Gene: BRCA2 (BRCA2 DNA repair associated; plus strand). Cytogenetic location: 13q13.1.
Variant type: Duplication.
Coding change: c.9014_9017dup on transcript NM_000059.4 (MANE Select); coding-DNA positions 9014 to 9017, 4 bases duplicated (GATA; older notation c.9014_9017dupGATA).
Protein change: p.Tyr3006Ter; replaces tyrosine 3006 with a stop codon.
Molecular consequence: nonsense.
Genome position (GRCh38, 1-based): chr13:32,379,810-32,379,813, GATA duplicated; duplicating any 4 consecutive bases within chr13:32,379,809-32,379,813 gives the same sequence; the c. name uses the placement nearest the transcript's 3' end. VCF-style (leftmost placement, unchanged base first): chr13-32379808-G-GAGAT. GRCh37 (hg19) VCF-style: chr13-32953945-G-GAGAT.
Other names: c.9014_9017dupGATA (NM_000059.3); short protein forms Y3006*.
Identifiers: ClinVar variation 433834 (VCV000433834.5), dbSNP rs1555288462, ClinGen allele CA645372936.

ClinVar aggregate classification (germline): Pathogenic. Review status: reviewed by expert panel (3 of 4 stars). 4 submissions from 3 submitters: Pathogenic (1). 3 of the submissions do not count toward it. Last evaluated 2017-12-15.

Conditions:
Breast-ovarian cancer, familial, susceptibility to, 2 (BROVCA2). Also called: BRCA2 Hereditary Breast and Ovarian Cancer. Identifiers: Orphanet 145, MedGen C2675520, MONDO:0012933, OMIM 612555. Disease mechanism: loss of function.
Neoplasm. Also called: tumor; Neoplasms; Neoplasm (disease). Identifiers: MedGen C0027651, MeSH D009369, MONDO:0005070, HP:0002664.
Familial cancer of breast. Also called: hereditary breast carcinoma; Hereditary breast cancer; BREAST CANCER, FAMILIAL. Identifiers: Orphanet 227535, MedGen C0346153, MONDO:0016419, OMIM 114480. Disease mechanism: loss of function.
Malignant tumor of breast. Also called: Malignant breast neoplasm; Cancer breast. Identifiers: MedGen C0006142, MONDO:0007254. Disease mechanism: loss of function.

Submissions (4):

Evidence-based Network for the Interpretation of Germline Mutant Alleles (ENIGMA)
Classification: Pathogenic for Breast-ovarian cancer, familial, susceptibility to, 2. Last evaluated: 2017-12-15. Review status: reviewed by expert panel. Criteria: ENIGMA BRCA1/2 Classification Criteria (2017-06-29). Collection method: curation. Allele origin: germline. Study: ENIGMA.
Comment: Variant allele predicted to encode a truncated non-functional protein.

AURAGEN, Plan France Médecine Génomique
Classification: Likely pathogenic for Neoplasm. Last evaluated: 2021-06-22. Review status: criteria provided, single submitter. Criteria: PFMG2025 (Lancet Reg Health Eur. 2025). Collection method: clinical testing. Allele origin: germline. Affected: yes. Not counted in ClinVar's aggregate classification.

Department of Pathology and Laboratory Medicine, Sinai Health System
Classification: Pathogenic for Familial cancer of breast; Breast-ovarian cancer, familial, susceptibility to, 2. Last evaluated: 2014-01-10. Review status: criteria provided, single submitter. Criteria: ACMG Guidelines, 2015. Collection method: clinical testing. Allele origin: germline. Affected: yes. Not counted in ClinVar's aggregate classification.

Department of Pathology and Laboratory Medicine, Sinai Health System
Classification: Pathogenic for Malignant tumor of breast. Review status: no assertion criteria provided. Collection method: clinical testing. Allele origin: unknown. Affected: yes. Observed: 1 variant allele. Study: The Canadian Open Genetics Repository (COGR). Not counted in ClinVar's aggregate classification.
Comment: The BRCA2 p.Tyr3006X duplication variant was not identified in the literature but was identified in the UMD (2X as a causal variant). Another variant with the same change at the protein level (c.9018C>A, p.Tyr3006X) was identified by Diez (2003) in 2 of 1268 proband chromosomes (frequency: 0.002) from Spanish individuals or families with breast or ovarian cancer, and was also identified in HGMD, LOVD and the BIC database (1X as a clinically important variant). The p.Tyr3006X duplication variant leads to a premature stop codon at position 3006, which is predicted to lead to a truncated or absent protein and loss of function. Loss of function variants of the BRCA2 gene are an established mechanism of disease in hereditary breast and ovarian cancer and is the type of variant expected to cause the disorder. In summary, based on the above information, this variant meets our laboratoryâ€šÃ„Ã´s criteria to be classified as pathogenic.

Literature cited by the submitters: PubMed 12955716 (cited by Department of Pathology and Laboratory Medicine, Sinai Health System).